The following is an entry in ClinVar:

NM_018417.6(ADCY10):c.2278A>C (p.Lys760Gln)

Gene: ADCY10 (adenylate cyclase 10; minus strand). Cytogenetic location: 1q24.2.
Variant type: single nucleotide variant.
Coding change: c.2278A>C on transcript NM_018417.6 (MANE Select); coding-DNA position 2278, A replaced by C.
Protein change: p.Lys760Gln; replaces lysine 760 with glutamine.
Molecular consequence: missense variant.
Genome position (GRCh38, 1-based): chr1:167,854,383, T>G on the plus strand (A>C on the coding strand, the complement: ADCY10 is on the minus strand). VCF-style: chr1-167854383-T-G. GRCh37 (hg19) VCF-style: chr1-167823621-T-G.
Other names: c.1819A>C, p.Lys607Gln (NM_001167749.3); c.2002A>C, p.Lys668Gln (NM_001297772.2); c.2278A>C (NM_018417.4); short protein forms K607Q, K668Q, K760Q.
Identifiers: ClinVar variation 1447125 (VCV001447125.11), dbSNP rs200458596, ClinGen allele CA1227690.

ClinVar aggregate classification (germline): Uncertain significance. Review status: criteria provided, multiple submitters, no conflicts (2 of 4 stars). 3 submissions from 3 submitters: Uncertain significance (3). Last evaluated 2025-06-12.

Conditions:
Familial idiopathic hypercalciuria (HCA2). Also called: Hypercalciuria, absorptive, 2; Hypercalciuria, absorptive, susceptibility to. Identifiers: MedGen C0342639, MONDO:0007748, OMIM 143870.

Allele frequency attached by ClinVar (database versions not stated): gnomAD exomes 0.00004 and 0.00009; ExAC 0.00006; gnomAD 0.00006 and 0.00007; TOPMed 0.00012; 1000 Genomes Project 30x 0.00016; 1000 Genomes Project 0.00020.
gnomAD v4.1: 74 of 1,614,190 alleles (0.0046%); highest among the groups gnomAD compares: Admixed American, 0.048%; no homozygotes.

Submissions (3):

Labcorp Genetics (formerly Invitae), Labcorp
Classification: Uncertain significance. Last evaluated: 2025-06-12. Review status: criteria provided, single submitter. Criteria: Invitae Variant Classification Sherloc (09022015). Collection method: clinical testing. Allele origin: germline.
Comment: This sequence change replaces lysine, which is basic and polar, with glutamine, which is neutral and polar, at codon 760 of the ADCY10 protein (p.Lys760Gln). This variant is present in population databases (rs200458596, gnomAD 0.03%). This variant has not been reported in the literature in individuals affected with ADCY10-related conditions. ClinVar contains an entry for this variant (Variation ID: 1447125). An algorithm developed to predict the effect of missense changes on protein structure and function (PolyPhen-2) suggests that this variant is likely to be disruptive. In summary, the available evidence is currently insufficient to determine the role of this variant in disease. Therefore, it has been classified as a Variant of Uncertain Significance.

Ambry Genetics
Classification: Uncertain significance. Last evaluated: 2025-04-18. Review status: criteria provided, single submitter. Criteria: Ambry Variant Classification Scheme 2023. Collection method: clinical testing. Allele origin: germline.

Fulgent Genetics
Classification: Uncertain significance for Familial idiopathic hypercalciuria. Last evaluated: 2021-12-29. Review status: criteria provided, single submitter. Criteria: ACMG Guidelines, 2015. Collection method: clinical testing. Allele origin: unknown.